The following is an entry in ClinVar:

NM_002067.5(GNA11):c.305A>G (p.Lys102Arg)

Gene: GNA11 (G protein subunit alpha 11; plus strand). Cytogenetic location: 19p13.3.
Variant type: single nucleotide variant.
Coding change: c.305A>G on transcript NM_002067.5 (MANE Select); coding-DNA position 305, A replaced by G.
Protein change: p.Lys102Arg; replaces lysine 102 with arginine.
Molecular consequence: missense variant.
Genome position (GRCh38, 1-based): chr19:3,110,317, A>G. VCF-style: chr19-3110317-A-G. GRCh37 (hg19) VCF-style: chr19-3110315-A-G.
Other names: short protein forms K102R.
Identifiers: ClinVar variation 2755825 (VCV002755825.3), dbSNP rs2512089354, ClinGen allele CA403305949.

ClinVar aggregate classification (germline): Uncertain significance (1 of 4 stars; one submission).

Submission:

Labcorp Genetics (formerly Invitae), Labcorp
Classification: Uncertain significance. Last evaluated: 2023-08-29. Review status: criteria provided, single submitter. Criteria: Invitae Variant Classification Sherloc (09022015). Collection method: clinical testing. Allele origin: germline.
Comment: This sequence change replaces lysine, which is basic and polar, with arginine, which is basic and polar, at codon 102 of the GNA11 protein (p.Lys102Arg). This variant is not present in population databases (gnomAD no frequency). This variant has not been reported in the literature in individuals affected with GNA11-related conditions. Advanced modeling of protein sequence and biophysical properties (such as structural, functional, and spatial information, amino acid conservation, physicochemical variation, residue mobility, and thermodynamic stability) performed at Invitae indicates that this missense variant is not expected to disrupt GNA11 protein function. Algorithms developed to predict the effect of sequence changes on RNA splicing suggest that this variant may create or strengthen a splice site. In summary, the available evidence is currently insufficient to determine the role of this variant in disease. Therefore, it has been classified as a Variant of Uncertain Significance.